The following is an entry in ClinVar:

NM_138459.5(NUS1):c.94_101del (p.Thr32fs)

Gene: NUS1 (NUS1 dehydrodolichyl diphosphate synthase subunit; plus strand). Cytogenetic location: 6q22.1.
Variant type: Deletion.
Coding change: c.94_101del on transcript NM_138459.5 (MANE Select); coding-DNA positions 94 to 101, 8 bases deleted (ACCTGGAA; older notation c.94_101delACCTGGAA).
Protein change: p.Thr32fs; shifts the reading frame from threonine 32.
Molecular consequence: frameshift variant.
Genome position (GRCh38, 1-based): chr6:117,675,764-117,675,771, ACCTGGAA deleted. VCF-style (leftmost placement, unchanged base first): chr6-117675763-CACCTGGAA-C. GRCh37 (hg19) VCF-style: chr6-117996926-CACCTGGAA-C.
Other names: short protein forms T32fs.
Identifiers: ClinVar variation 2860526 (VCV002860526.3), dbSNP rs2481982600, ClinGen allele CA2739266055.

ClinVar aggregate classification (germline): Pathogenic (1 of 4 stars; one submission).

Conditions:
Congenital disorder of glycosylation, type Iaa. Also called: Congenital disorder of glycosylation, type 1aa. Identifiers: MedGen C4310727, MONDO:0014904, OMIM 617082.

Submission:

Labcorp Genetics (formerly Invitae), Labcorp
Classification: Pathogenic for Congenital disorder of glycosylation, type Iaa. Last evaluated: 2023-12-11. Review status: criteria provided, single submitter. Criteria: Invitae Variant Classification Sherloc (09022015). Collection method: clinical testing. Allele origin: germline.
Comment: This sequence change creates a premature translational stop signal (p.Thr32Leufs*99) in the NUS1 gene. It is expected to result in an absent or disrupted protein product. Loss-of-function variants in NUS1 are known to be pathogenic (PMID: 29100083). This variant is not present in population databases (gnomAD no frequency). This variant has not been reported in the literature in individuals affected with NUS1-related conditions. For these reasons, this variant has been classified as Pathogenic.

Literature cited by the submitters: PubMed 29100083.